The following is an entry in ClinVar:

ClinVar aggregate classification (germline): Conflicting classifications of pathogenicity. Review status: criteria provided, conflicting classifications (1 of 4 stars). 2 submissions from 2 submitters: Likely pathogenic (1); Uncertain significance (1). Last evaluated 2022-03-13.

Allele frequency attached by ClinVar (database versions not stated): gnomAD exomes below 0.00001.
gnomAD v4.1: 6 of 1,211,460 alleles (0.0005%); highest among the groups gnomAD compares: Non-Finnish European, 0.00045%; no homozygotes.

Submissions (2):

Labcorp Genetics (formerly Invitae), Labcorp
Classification: Uncertain significance. Last evaluated: 2022-03-13. Review status: criteria provided, single submitter. Criteria: Invitae Variant Classification Sherloc (09022015). Collection method: clinical testing. Allele origin: germline.
Comment: In summary, the available evidence is currently insufficient to determine the role of this variant in disease. Therefore, it has been classified as a Variant of Uncertain Significance. Algorithms developed to predict the effect of sequence changes on RNA splicing suggest that this variant may disrupt the consensus splice site. Algorithms developed to predict the effect of missense changes on protein structure and function are either unavailable or do not agree on the potential impact of this missense change (SIFT: "Tolerated"; PolyPhen-2: "Probably Damaging"; Align-GVGD: "Class C0"). ClinVar contains an entry for this variant (Variation ID: 1098373). This variant has not been reported in the literature in individuals affected with PQBP1-related conditions. This variant is not present in population databases (gnomAD no frequency). This sequence change replaces glycine, which is neutral and non-polar, with arginine, which is basic and polar, at codon 61 of the PQBP1 protein (p.Gly61Arg).

Genetics Laboratory, UDIAT-Centre Diagnòstic, Hospital Universitari Parc Tauli
Classification: Likely pathogenic. Last evaluated: 2021-04-26. Review status: criteria provided, single submitter. Criteria: Parc Tauli Hospital Assertion Criteria 2021. Collection method: clinical testing. Allele origin: maternal. Inheritance: Autosomal dominant inheritance. Affected: yes. Observed: 1 hemizygote.
Comment: PP3_strong;PM1_moderate;PM2_supporting;PP2_supporting

NM_001032382.2(PQBP1):c.181G>A (p.Gly61Arg)

Gene: PQBP1 (polyglutamine binding protein 1; plus strand). Cytogenetic location: Xp11.23.
Variant type: single nucleotide variant.
Coding change: c.181G>A on transcript NM_001032382.2 (MANE Select); coding-DNA position 181, G replaced by A.
Protein change: p.Gly61Arg; replaces glycine 61 with arginine.
Molecular consequence: missense variant.
Genome position (GRCh38, 1-based): chrX:48,901,931, G>A. VCF-style: chrX-48901931-G-A. GRCh37 (hg19) VCF-style: chrX-48759208-G-A.
Other names: c.181G>A, p.Gly61Arg (NM_001032381.2, NM_001032383.2, NM_001032384.1 and 4 more transcripts); c.157G>A, p.Gly53Arg (NM_001167990.2); short protein forms G53R, G61R.
Identifiers: ClinVar variation 1098373 (VCV001098373.7), dbSNP rs2147471872, ClinGen allele CA412888577.